The following is an entry in ClinVar:

ClinVar aggregate classification (germline): Pathogenic/Likely pathogenic. Review status: criteria provided, multiple submitters, no conflicts (2 of 4 stars). 16 submissions from 15 submitters: Pathogenic (13); Likely pathogenic (1). 2 of the submissions do not count toward it. Last evaluated 2026-07-03.

Conditions:
MFN2-related disorder. Also called: MFN2-related disorders; MFN2-related condition.
Charcot-Marie-Tooth disease type 2A2. Also called: CHARCOT-MARIE-TOOTH DISEASE, NEURONAL, TYPE 2A2; CHARCOT-MARIE-TOOTH DISEASE, AXONAL, TYPE 2A2; Charcot-Marie-Tooth Neuropathy Type 2A2; CHARCOT-MARIE-TOOTH DISEASE, AXONAL, AUTOSOMAL DOMINANT, TYPE 2A2A; HEREDITARY MOTOR AND SENSORY NEUROPATHY IIA2; HMSN IIA2. Identifiers: Orphanet 99947, MedGen C4721887, MONDO:0012231, OMIM 609260.
Hereditary motor and sensory neuropathy with optic atrophy. Also called: CHARCOT-MARIE-TOOTH DISEASE, TYPE 6; PERIPHERAL NEUROPATHY AND OPTIC ATROPHY. Identifiers: Orphanet 90120, MedGen C0393807, MONDO:0019551.
Charcot-Marie-Tooth disease, axonal, autosomal recessive, type 2a2b;. Also called: Charcot-Marie-Tooth disease, axonal, autosomal recessive, type 2A2B; Charcot-Marie-Tooth disease, axonal, type 2A2B. Identifiers: MedGen C4310725, MONDO:0014906, OMIM 617087.
Charcot-Marie-Tooth disease. Also called: Charcot-Marie-Tooth Hereditary Neuropathy; Charcot-Marie-Tooth Neuropathy. Identifiers: Orphanet 166, MedGen C0007959, MONDO:0015626.
Charcot-Marie-Tooth disease type 2. Also called: Charcot-Marie-Tooth type 2. Identifiers: Orphanet 64746, MedGen C0270914, MONDO:0018993.
Inborn genetic diseases. Identifiers: MedGen C0950123, MeSH D030342.

Submissions 1 to 10 of 16:

PreventionGenetics, part of Exact Sciences
Classification: Pathogenic for MFN2-related condition. Last evaluated: 2026-07-03. Review status: criteria provided, single submitter. Criteria: ACMG Guidelines, 2015. Collection method: clinical testing. Allele origin: germline.
Comment: The MFN2 c.2219G>C variant is predicted to result in the amino acid substitution p.Trp740Ser. This variant was reported in multiple individuals with autosomal dominant Charcot-Marie-Tooth disease, type 2A (Zuchner et al. 2004. PubMed ID: 15064763; Brožková et al. 2013. PubMed ID: 24126688; Thompson et al. 2018. PubMed ID: 29790872; Cortese et al. 2019. PubMed ID: 31827005). This variant has not been reported in a large population database (gnomAD), indicating this variant is rare. This variant is interpreted as pathogenic.

Labcorp Genetics (formerly Invitae), Labcorp
Classification: Pathogenic for Charcot-Marie-Tooth disease type 2. Last evaluated: 2026-01-16. Review status: criteria provided, single submitter. Criteria: Invitae Variant Classification Sherloc (09022015). Collection method: clinical testing. Allele origin: germline.
Comment: This sequence change replaces tryptophan, which is neutral and slightly polar, with serine, which is neutral and polar, at codon 740 of the MFN2 protein (p.Trp740Ser). This variant is not present in population databases (gnomAD no frequency). This missense change has been observed in individuals with Charcot-Marie-Tooth disease (PMID: 15064763, 16714318, 21508331, 24126688, 25614874). It has also been observed to segregate with disease in related individuals. ClinVar contains an entry for this variant (Variation ID: 2269). Invitae Evidence Modeling of protein sequence and biophysical properties (such as structural, functional, and spatial information, amino acid conservation, physicochemical variation, residue mobility, and thermodynamic stability) indicates that this missense variant is not expected to disrupt MFN2 protein function with a negative predictive value of 80%. Experimental studies have shown that this missense change affects MFN2 function (PMID: 17215403, 17296794, 20335458). For these reasons, this variant has been classified as Pathogenic.

Mayo Clinic Laboratories, Mayo Clinic
Classification: Pathogenic. Last evaluated: 2025-07-30. Review status: criteria provided, single submitter. Criteria: ACMG Guidelines, 2015. Collection method: clinical testing. Allele origin: germline. Observed: 5 variant alleles.
Comment: PP1, PP3_moderate, PP5, PM2_supporting, PS3, PS4_moderate

GeneDx
Classification: Pathogenic. Last evaluated: 2025-04-25. Review status: criteria provided, single submitter. Criteria: GeneDx Variant Classification Process June 2021. Collection method: clinical testing. Allele origin: germline. Affected: yes.
Comment: In silico analysis supports that this missense variant has a deleterious effect on protein structure/function; Not observed at significant frequency in large population cohorts (gnomAD); This variant is associated with the following publications: (PMID: 26143526, 21508331, 31156446, 24088041, 31827005, 17296794, 16714318, 17215403, 18568013, 24819634, 15064763, 24126688, 26257172, 8406488, 29790872, 30649465, 29341354, 29361379, 23806086, 32399692, 25614874, 20335458, 37536398, Barsa2024[functionalstudy], 33415332)

Variantyx, Inc.
Classification: Pathogenic for Charcot-Marie-Tooth disease type 2A2. Last evaluated: 2025-04-14. Review status: criteria provided, single submitter. Criteria: Variantyx Assertion Criteria 2022. Collection method: clinical testing. Allele origin: germline. Inheritance: Autosomal dominant inheritance. Affected: yes.
Comment: This is a nonsynonymous variant in the MFN2 gene (OMIM: 608507). Pathogenic variants in this gene have been associated with autosomal dominant axonal Charcot-Marie-Tooth disease type 2A2A. This variant has been reported in at least 10 unrelated affected individual(s) (PMID: 30649465, 15064763, 24126688, 16714318) (PS4). Functional studies have shown that this variant alters MFN2 protein function (PMID: 17215403, 17296794, 20335458) (PS3) and multiple computational algorithms predict a deleterious effect for this variant (REVEL score: 0.836) (PP3). This variant lies within a known hotspot for pathogenic variants or a well-established critical functional domain of the MFN2 protein (PMID: 29068134) (PM1). This variant is absent from control populations (PM2). Based on the current evidence, this variant is classified as pathogenic for autosomal dominant axonal Charcot-Marie-Tooth disease type 2A2A.

Women's Health and Genetics/Laboratory Corporation of America, LabCorp
Classification: Pathogenic for Charcot-Marie-Tooth disease type 2A2. Last evaluated: 2024-12-16. Review status: criteria provided, single submitter. Criteria: LabCorp Variant Classification Summary - May 2015. Collection method: clinical testing. Allele origin: germline.
Comment: Variant summary: MFN2 c.2219G>C (p.Trp740Ser) results in a non-conservative amino acid change in the encoded protein sequence. Three of five in-silico tools predict a damaging effect of the variant on protein function. The variant was absent in 249134 control chromosomes. c.2219G>C has been reported in the literature in multiple heterozygous individuals affected with Charcot-Marie Disease Type 2A2 (examples: Zuchner_2004, Brozkova_2013,Larrea_2019, Vogt_2020, Pipis_2021). It has also been observed to segregate with disease in related individuals (Brozkova_2013). To our knowledge, this variant has not been reported in individuals with Charcot-Marie Disease, Axonal, Autosomal Recessive, Type 2a2b. Based on the evidence outlined above, this variant is pathogenic for autosomal dominant Charcot-Marie Disease Type 2A2 . The following publications have been ascertained in the context of this evaluation (PMID: 15064763, 24126688, 30649465, 32399692, 25614874, 33415332). ClinVar contains an entry for this variant (Variation ID: 2269). Based on the evidence outlined above, the variant was classified as pathogenic.

Athena Diagnostics
Classification: Pathogenic. Last evaluated: 2023-05-19. Review status: criteria provided, single submitter. Criteria: Athena Diagnostics Criteria. Collection method: clinical testing. Allele origin: unknown.
Comment: This variant has been identified in multiple unrelated individuals with clinical features associated with Charcot-Marie-Tooth disease. This variant has not been reported in large, multi-ethnic general populations. Assessment of experimental evidence suggests this variant results in abnormal protein function. PMID: 17215403, 20335458.

Variantyx, Inc.
Classification: Pathogenic for MFN2-related disorders. Last evaluated: 2022-11-07. Review status: criteria provided, single submitter. Criteria: Variantyx Assertion Criteria 2022. Collection method: clinical testing. Allele origin: germline. Inheritance: Autosomal dominant inheritance. Affected: yes.
Comment: This is a nonsynonymous variant in the MFN2 gene (OMIM 608507). Pathogenic variants in this gene have been associated with autosomal dominant and autosomal recessive MFN2-related disorders. This variant has been reported in several affected unrelated individuals (PMID: 15064763, 16714318, 21508331, 24126688, 25614874, 29341354, 33415332) (PS4_Moderate). Functional studies have shown that this variant alters MFN2 protein function (PMID: 17215403, 17296794, 20335458) (PS3). This variant lies within a known hotspot for pathogenic variants or a well-established critical functional domain of the MFN2 protein (PMID: 29068134) (PM1). This variant is absent from control populations (PM2_Supporting). Multiple computational algorithms predict a deleterious effect for this substitution (PP3). Based on current evidence, this variant is classified as pathogenic for MFN2- related disorders.

Revvity Omics, Revvity
Classification: Likely pathogenic. Last evaluated: 2021-09-16. Review status: criteria provided, single submitter. Criteria: ACMG Guidelines, 2015. Collection method: clinical testing. Allele origin: germline.

Ambry Genetics
Classification: Pathogenic for Inborn genetic diseases. Last evaluated: 2021-02-09. Review status: criteria provided, single submitter. Criteria: Ambry Variant Classification Scheme 2023. Collection method: clinical testing. Allele origin: germline.
Comment: The c.2219G>C (p.W740S) alteration is located in exon 19 (coding exon 17) of the MFN2 gene. This alteration results from a G to C substitution at nucleotide position 2219, causing the tryptophan (W) at amino acid position 740 to be replaced by a serine (S)._x000D_ _x000D_ Based on the available evidence, the MFN2 c.2219G>C (p.W740S) alteration is classified as pathogenic for autosomal dominant MFN2-related neuropathy; however, its clinical significance for autosomal recessive MFN2-related neuropathy is unclear. This variant was not reported in population-based cohorts in the Genome Aggregation Database (gnomAD). This alteration has been detected in heterozygous state in multiple individuals with neuropathy (Z&uuml;chner, 2004; Brokov&aacute;, 2013; Gonzaga-Jauregui, 2015). This alteration is predicted to be deleterious by in silico analysis. Based on the available evidence, this alteration is classified as pathogenic.

NM_014874.4(MFN2):c.2219G>C (p.Trp740Ser)

Gene: MFN2 (mitofusin 2; plus strand). Cytogenetic location: 1p36.22.
Variant type: single nucleotide variant.
Coding change: c.2219G>C on transcript NM_014874.4 (MANE Select); coding-DNA position 2219, G replaced by C.
Protein change: p.Trp740Ser; replaces tryptophan 740 with serine.
Molecular consequence: missense variant.
Genome position (GRCh38, 1-based): chr1:12,011,510, G>C. VCF-style: chr1-12011510-G-C. GRCh37 (hg19) VCF-style: chr1-12071567-G-C.
Other names: c.2219G>C, p.Trp740Ser (NM_001127660.2); short protein forms W740S.
Identifiers: ClinVar variation 2269 (VCV000002269.43), dbSNP rs28940292, ClinGen allele CA252145.
Genomic context (GRCh38, chr1:12,011,510, plus strand): 5'-GCCTATCATCAGCTATCATGGTTACAAAAGAACCATTTCTTTGCAGGAATAAAGCCGGTT[G>C]GTTGGACAGTGAGCTCAACATGTTCACACACCAGTACCTGCAGCCCAGCAGATAGTGGGC-3'
Protein context (NP_055689.1, residues 730-750): KAKLLRNKAG[Trp740Ser]LDSELNMFTH